The following is an entry in ClinVar:

NM_001458.5(FLNC):c.7133C>G (p.Pro2378Arg)

Genes: FLNC (filamin C; plus strand), FLNC-AS1 (FLNC antisense RNA 1; minus strand). Cytogenetic location: 7q32.1.
Variant type: single nucleotide variant.
Coding change: c.7133C>G on transcript NM_001458.5 (MANE Select); coding-DNA position 7133, C replaced by G.
Protein change: p.Pro2378Arg; replaces proline 2378 with arginine.
Molecular consequence: missense variant.
Genome position (GRCh38, 1-based): chr7:128,854,910, C>G. VCF-style: chr7-128854910-C-G. GRCh37 (hg19) VCF-style: chr7-128494964-C-G.
Other names: c.7034C>G, p.Pro2345Arg (NM_001127487.2); short protein forms P2345R, P2378R.
Identifiers: ClinVar variation 4812557 (VCV004812557.1).

ClinVar aggregate classification (germline): Uncertain significance (1 of 4 stars; one submission).

Conditions:
Hypertrophic cardiomyopathy 26. Also called: Cardiomyopathy, familial hypertrophic, 26. Identifiers: Orphanet 75249, MedGen C4310749, MONDO:0014883, OMIM 617047.
Myofibrillar myopathy 5. Also called: Filaminopathy (type); FILAMINOPATHY, AUTOSOMAL DOMINANT. Identifiers: Orphanet 171445, MedGen C1836050, MONDO:0012289, OMIM 609524.
Distal myopathy with posterior leg and anterior hand involvement. Also called: WILLIAMS DISTAL MYOPATHY. Identifiers: Orphanet 63273, MedGen C3279722, MONDO:0013550, OMIM 614065.

Submission:

Labcorp Genetics (formerly Invitae), Labcorp
Classification: Uncertain significance for Distal myopathy with posterior leg and anterior hand involvement; Myofibrillar myopathy 5; Hypertrophic cardiomyopathy 26. Last evaluated: 2025-12-01. Review status: criteria provided, single submitter. Criteria: Invitae Variant Classification Sherloc (09022015). Collection method: clinical testing. Allele origin: germline.
Comment: This sequence change replaces proline, which is neutral and non-polar, with arginine, which is basic and polar, at codon 2378 of the FLNC protein (p.Pro2378Arg). This variant is not present in population databases (gnomAD no frequency). This variant has not been reported in the literature in individuals affected with FLNC-related conditions. An algorithm developed to predict the effect of missense changes on protein structure and function (PolyPhen-2) suggests that this variant is likely to be disruptive. In summary, the available evidence is currently insufficient to determine the role of this variant in disease. Therefore, it has been classified as a Variant of Uncertain Significance.